The following is an entry in ClinVar:

ClinVar aggregate classification (germline): Benign. Review status: criteria provided, multiple submitters, no conflicts (2 of 4 stars). 2 submissions from 2 submitters: Benign (2). Last evaluated 2018-01-13.

Conditions:
Congenital microvillous atrophy (DIAR2). Also called: CONGENITAL FAMILIAL PROTRACTED DIARRHEA WITH ENTEROCYTE BRUSH-BORDER ABNORMALITIES; DAVIDSON DISEASE; MICROVILLUS ATROPHY, CONGENITAL; Diarrhea 2 with microvillus atrophy, with or without cholestasis; Microvillus inclusion disease. Identifiers: Orphanet 2290, MedGen C0341306, MONDO:0009635, OMIM 251850.

Allele frequency attached by ClinVar (database versions not stated): TOPMed 0.11384; 1000 Genomes Project 30x 0.18379; 1000 Genomes Project 0.18510.

Submissions (3):

Illumina Laboratory Services, Illumina
Classification: Benign for Congenital microvillous atrophy. Last evaluated: 2018-01-13. Review status: criteria provided, single submitter. Criteria: ICSL Variant Classification Criteria 13 December 2019. Collection method: clinical testing. Allele origin: germline.
Comment: This variant was observed in the ICSL laboratory as part of a predisposition screen in an ostensibly healthy population. It had not been previously curated by ICSL or reported in the Human Gene Mutation Database (HGMD: prior to June 1st, 2018), and was therefore a candidate for classification through an automated scoring system. Utilizing variant allele frequency, disease prevalence and penetrance estimates, and inheritance mode, an automated score was calculated to assess if this variant is too frequent to cause the disease. Based on the score and internal cut-off values, a variant classified as benign is not then subjected to further curation. The score for this variant resulted in a classification of benign for this disease.

Breakthrough Genomics
Classification: Benign. Review status: criteria provided, single submitter. Criteria: ACMG Guidelines, 2015. Collection method: not provided. Allele origin: germline. Inheritance: Autosomal recessive inheritance. Affected: yes.

Dr. Peter K. Rogan Lab, Western University
No classification provided (evidence only). Condition: Gastric cancer. Review status: no classification provided. Collection method: in vitro. Allele origin: not applicable. Functional consequence: retained intron. Not counted in ClinVar's aggregate classification.

NM_001080467.3(MYO5B):c.*1671G>T

Genes: MYO5B (myosin VB; minus strand), SNHG22 (small nucleolar RNA host gene 22; plus strand). Cytogenetic location: 18q21.1.
Variant type: single nucleotide variant.
Coding change: c.*1671G>T on transcript NM_001080467.3 (MANE Select); 1671 bases downstream of the stop codon, G replaced by T.
Molecular consequence: 3 prime UTR variant.
Genome position (GRCh38, 1-based): chr18:49,824,800, C>A on the plus strand (G>T on the coding strand, the complement: MYO5B is on the minus strand). VCF-style: chr18-49824800-C-A. GRCh37 (hg19) VCF-style: chr18-47351170-C-A.
Other names: NC_000018.9:g.47351170C>A.
Identifiers: ClinVar variation 326964 (VCV000326964.7), dbSNP rs9959610, ClinGen allele CA10641539.
Genomic context (GRCh38, chr18:49,824,800, plus strand): 5'-AAGTGTCATGGACGTCAGTGATTATGTAACTGTAACTGAAAGAAAAAGGCACAGCTCTGC[C>A]GATGCCCAAGAGAAGCCGGCATGTTTAATGTGGATGTAGAGGGGATAATGCCCATGACAA-3'